The following is an entry in ClinVar:

NM_000330.4(RS1):c.193T>C (p.Tyr65His)

Genes: CDKL5 (cyclin dependent kinase like 5; plus strand), RS1 (retinoschisin 1; minus strand). Cytogenetic location: Xp22.13.
Variant type: single nucleotide variant.
Coding change: c.193T>C on transcript NM_000330.4 (MANE Select); coding-DNA position 193, T replaced by C.
Protein change: p.Tyr65His; replaces tyrosine 65 with histidine.
Molecular consequence: missense variant. On other transcripts: intron variant (2).
Genome position (GRCh38, 1-based): chrX:18,647,324, A>G on the plus strand (T>C on the coding strand, the complement: RS1 is on the minus strand). VCF-style: chrX-18647324-A-G. GRCh37 (hg19) VCF-style: chrX-18665444-A-G.
Other names: c.2797+1234A>G (NM_003159.3, NM_001037343.2); short protein forms Y65H.
Identifiers: ClinVar variation 2099195 (VCV002099195.4), dbSNP rs2147194217, ClinGen allele CA412373001.
Genomic context (GRCh38, chrX:18,647,324, plus strand): 5'-TAGAGCAGGTGATCTGGTCCGGTGTGACCTCCCCTGACTCGAAACCCAGAGGCTTGTGAT[A>G]TGGGCATTCTGGGAAAGGAAAAAGAATTCACATTCACACATATCTCAATACTCAACAAGC-3'
Protein context (NP_000321.1, residues 55-75): TSLDCIPECP[Tyr65His]HKPLGFESGE

ClinVar aggregate classification (germline): Likely pathogenic (1 of 4 stars; one submission).

gnomAD v4.1: 2 of 1,210,577 alleles (0.00017%); highest among the groups gnomAD compares: East Asian, 0.003%; no homozygotes.

Submission:

Labcorp Genetics (formerly Invitae), Labcorp
Classification: Likely pathogenic. Last evaluated: 2023-12-07. Review status: criteria provided, single submitter. Criteria: Invitae Variant Classification Sherloc (09022015). Collection method: clinical testing. Allele origin: germline.
Comment: This sequence change replaces tyrosine, which is neutral and polar, with histidine, which is basic and polar, at codon 65 of the RS1 protein (p.Tyr65His). This variant is not present in population databases (gnomAD no frequency). This missense change has been observed in individual(s) with juvenile retinoschisis (PMID: 33460243). ClinVar contains an entry for this variant (Variation ID: 2099195). Advanced modeling of protein sequence and biophysical properties (such as structural, functional, and spatial information, amino acid conservation, physicochemical variation, residue mobility, and thermodynamic stability) performed at Invitae indicates that this missense variant is expected to disrupt RS1 protein function with a positive predictive value of 95%. This variant disrupts the p.Tyr65 amino acid residue in RS1. Other variant(s) that disrupt this residue have been determined to be pathogenic (PMID: 9618178, 28272453; Invitae). This suggests that this residue is clinically significant, and that variants that disrupt this residue are likely to be disease-causing. In summary, the currently available evidence indicates that the variant is pathogenic, but additional data are needed to prove that conclusively. Therefore, this variant has been classified as Likely Pathogenic.

Literature cited by the submitters: PubMed 33460243; PubMed 9618178; PubMed 28272453.